The following is an entry in ClinVar:

ClinVar aggregate classification (germline): Uncertain significance. Review status: criteria provided, multiple submitters, no conflicts (2 of 4 stars). 3 submissions from 3 submitters: Uncertain significance (3). Last evaluated 2025-03-21.

Conditions:
Inborn genetic diseases. Identifiers: MedGen C0950123, MeSH D030342.
Congenital adrenal hyperplasia due to cytochrome P450 oxidoreductase deficiency. Also called: DISORDERED STEROIDOGENESIS DUE TO POR DEFICIENCY. Identifiers: Orphanet 95699, MedGen C1860042, MONDO:0013310, OMIM 613571.

Allele frequency attached by ClinVar (database versions not stated): TOPMed 0.00003; gnomAD 0.00004 and 0.00007; gnomAD exomes 0.00004 and 0.00008; 1000 Genomes Project 30x 0.00016; ExAC 0.00017; 1000 Genomes Project 0.00020.
gnomAD v4.1: 63 of 1,589,334 alleles (0.004%); highest among the groups gnomAD compares: South Asian, 0.039%; no homozygotes.

Submissions (3):

Ambry Genetics
Classification: Uncertain significance for Inborn genetic diseases. Last evaluated: 2025-03-21. Review status: criteria provided, single submitter. Criteria: Ambry Variant Classification Scheme 2023. Collection method: clinical testing. Allele origin: germline.

Labcorp Genetics (formerly Invitae), Labcorp
Classification: Uncertain significance for Congenital adrenal hyperplasia due to cytochrome P450 oxidoreductase deficiency. Last evaluated: 2022-05-03. Review status: criteria provided, single submitter. Criteria: Invitae Variant Classification Sherloc (09022015). Collection method: clinical testing. Allele origin: germline.
Comment: This sequence change replaces glycine, which is neutral and non-polar, with serine, which is neutral and polar, at codon 507 of the POR protein (p.Gly507Ser). This variant is present in population databases (rs565343242, gnomAD 0.05%). This variant has not been reported in the literature in individuals affected with POR-related conditions. ClinVar contains an entry for this variant (Variation ID: 909541). Algorithms developed to predict the effect of missense changes on protein structure and function (SIFT, PolyPhen-2, Align-GVGD) all suggest that this variant is likely to be tolerated. In summary, the available evidence is currently insufficient to determine the role of this variant in disease. Therefore, it has been classified as a Variant of Uncertain Significance.

Illumina Laboratory Services, Illumina
Classification: Uncertain significance for Congenital adrenal hyperplasia due to cytochrome P450 oxidoreductase deficiency. Last evaluated: 2018-01-13. Review status: criteria provided, single submitter. Criteria: ICSL Variant Classification Criteria 13 December 2019. Collection method: clinical testing. Allele origin: germline.

NM_001395413.1(POR):c.1510G>A (p.Gly504Ser)

Gene: POR (cytochrome p450 oxidoreductase; plus strand). Cytogenetic location: 7q11.23.
Variant type: single nucleotide variant.
Coding change: c.1510G>A on transcript NM_001395413.1 (MANE Select); coding-DNA position 1510, G replaced by A.
Protein change: p.Gly504Ser; replaces glycine 504 with serine.
Molecular consequence: missense variant.
Genome position (GRCh38, 1-based): chr7:75,985,699, G>A. VCF-style: chr7-75985699-G-A. GRCh37 (hg19) VCF-style: chr7-75615017-G-A.
Other names: c.1510G>A, p.Gly504Ser (NM_001367562.3, NM_001382657.2, NM_001382658.3 and 1 more transcripts); c.1564G>A, p.Gly522Ser (NM_001382655.3); c.1360G>A, p.Gly454Ser (NM_001382662.3); short protein forms G454S, G504S, G522S.
Identifiers: ClinVar variation 909541 (VCV000909541.7), dbSNP rs565343242, ClinGen allele CA4304173.